The following is an entry in ClinVar:

NM_133433.4(NIPBL):c.8337G>A (p.Thr2779=)

Gene: NIPBL (NIPBL cohesin loading factor; plus strand). Cytogenetic location: 5p13.2.
Variant type: single nucleotide variant.
Coding change: c.8337G>A on transcript NM_133433.4 (MANE Select); coding-DNA position 8337, G replaced by A.
Protein change: p.Thr2779=; no amino-acid change (threonine 2779 retained).
Molecular consequence: synonymous variant. On other transcripts: 3 prime UTR variant (1).
Genome position (GRCh38, 1-based): chr5:37,064,814, G>A. VCF-style: chr5-37064814-G-A. GRCh37 (hg19) VCF-style: chr5-37064916-G-A.
Other names: c.*791G>A (NM_015384.5).
Identifiers: ClinVar variation 586179 (VCV000586179.19), dbSNP rs139108785, ClinGen allele CA3237357.

ClinVar aggregate classification (germline): Benign/Likely benign. Review status: criteria provided, multiple submitters, no conflicts (2 of 4 stars). 7 submissions from 7 submitters: Benign (4); Likely benign (3). Last evaluated 2025-08-03.

Conditions:
Cornelia de Lange syndrome 1 (CDLS1). Also called: TYPUS DEGENERATIVUS AMSTELODAMENSIS; Brachmann de Lange syndrome; NIPBL-Related Cornelia de Lange Syndrome. Identifiers: Orphanet 199, MedGen C4551851, MONDO:0007387, OMIM 122470.
NIPBL-related disorder. Also called: NIPBL-related condition.
History of neurodevelopmental disorder. Identifiers: MedGen C2711754.

Allele frequency attached by ClinVar (database versions not stated): 1000 Genomes Project 0.00020; gnomAD 0.00042 and 0.00047; 1000 Genomes Project 30x 0.00047; TOPMed 0.00053; ESP Exome Variant Server 0.00054.
gnomAD v4.1: 118 of 1,614,138 alleles (0.0073%); highest among the groups gnomAD compares: African/African-American, 0.14%; no homozygotes.

Submissions (7):

Labcorp Genetics (formerly Invitae), Labcorp
Classification: Benign for Cornelia de Lange syndrome 1. Last evaluated: 2025-08-03. Review status: criteria provided, single submitter. Criteria: Invitae Variant Classification Sherloc (09022015). Collection method: clinical testing. Allele origin: germline.

PreventionGenetics, part of Exact Sciences
Classification: Likely benign for NIPBL-related condition. Last evaluated: 2025-07-11. Review status: criteria provided, single submitter. Criteria: ACMG Guidelines, 2015. Collection method: clinical testing. Allele origin: germline.
Comment: This variant is classified as likely benign based on ACMG/AMP sequence variant interpretation guidelines (Richards et al. 2015 PMID: 25741868, with internal and published modifications).

Blueprint Genetics
Classification: Likely benign. Last evaluated: 2022-07-14. Review status: criteria provided, single submitter. Criteria: ACMG Guidelines, 2015. Collection method: clinical testing. Allele origin: germline.

Genome-Nilou Lab
Classification: Benign for Cornelia de Lange syndrome 1. Last evaluated: 2021-07-15. Review status: criteria provided, single submitter. Criteria: ACMG Guidelines, 2015. Collection method: clinical testing. Allele origin: germline. Affected: no.

GeneDx
Classification: Benign. Last evaluated: 2020-10-01. Review status: criteria provided, single submitter. Criteria: GeneDx Variant Classification Process June 2021. Collection method: clinical testing. Allele origin: germline. Affected: yes.

Athena Diagnostics
Classification: Benign. Last evaluated: 2017-11-20. Review status: criteria provided, single submitter. Criteria: Athena Diagnostics Criteria. Collection method: clinical testing. Allele origin: germline.

Ambry Genetics
Classification: Likely benign for History of neurodevelopmental disorder. Last evaluated: 2017-05-15. Review status: criteria provided, single submitter. Criteria: Ambry Autosomal Dominant and X-Linked criteria (3/2017). Collection method: clinical testing. Allele origin: germline. Observed: 1 variant allele.
Comment: Synonymous alterations with insufficient evidence to classify as benign